The following is an entry in ClinVar:

NM_001849.4(COL6A2):c.613G>A (p.Ala205Thr)

Gene: COL6A2 (collagen type VI alpha 2 chain; plus strand). Cytogenetic location: 21q22.3.
Variant type: single nucleotide variant.
Coding change: c.613G>A on transcript NM_001849.4 (MANE Select); coding-DNA position 613, G replaced by A.
Protein change: p.Ala205Thr; replaces alanine 205 with threonine.
Molecular consequence: missense variant.
Genome position (GRCh38, 1-based): chr21:46,112,476, G>A. VCF-style: chr21-46112476-G-A. GRCh37 (hg19) VCF-style: chr21-47532390-G-A.
Other names: c.613G>A, p.Ala205Thr (NM_058174.3, NM_058175.3); short protein forms A205T.
Identifiers: ClinVar variation 4990132 (VCV004990132.1).

ClinVar aggregate classification (germline): Uncertain significance (1 of 4 stars; one submission).

Conditions:
COL6A2-related disorder.

Submission:

PreventionGenetics, part of Exact Sciences
Classification: Uncertain significance for COL6A2-related condition. Last evaluated: 2025-11-11. Review status: criteria provided, single submitter. Criteria: ACMG Guidelines, 2015. Collection method: clinical testing. Allele origin: germline.
Comment: The COL6A2 c.613G>A variant is predicted to result in the amino acid substitution p.Ala205Thr. To our knowledge, this variant has not been reported in the literature. This variant is reported in 0.0033% of alleles in individuals of South Asian descent in gnomAD. At this time, the clinical significance of this variant is uncertain due to the absence of conclusive functional and genetic evidence.